The following is an entry in ClinVar:

ClinVar aggregate classification (germline): Uncertain significance (1 of 4 stars; one submission).

Allele frequency attached by ClinVar (database versions not stated): ExAC 0.00001; TOPMed 0.00002; ESP Exome Variant Server 0.00008.
gnomAD v4.1: 26 of 1,613,532 alleles (0.0016%); highest among the groups gnomAD compares: Non-Finnish European, 0.0019%; no homozygotes.

Submission:

Labcorp Genetics (formerly Invitae), Labcorp
Classification: Uncertain significance. Last evaluated: 2022-09-28. Review status: criteria provided, single submitter. Criteria: Invitae Variant Classification Sherloc (09022015). Collection method: clinical testing. Allele origin: germline.
Comment: This variant has not been reported in the literature in individuals affected with RELA-related conditions. This sequence change replaces alanine, which is neutral and non-polar, with valine, which is neutral and non-polar, at codon 485 of the RELA protein (p.Ala485Val). This variant is present in population databases (rs374751242, gnomAD 0.003%). Algorithms developed to predict the effect of missense changes on protein structure and function (SIFT, PolyPhen-2, Align-GVGD) all suggest that this variant is likely to be tolerated. In summary, the available evidence is currently insufficient to determine the role of this variant in disease. Therefore, it has been classified as a Variant of Uncertain Significance.

NM_021975.4(RELA):c.1454C>T (p.Ala485Val)

Gene: RELA (RELA proto-oncogene, NF-kB subunit; minus strand). Cytogenetic location: 11q13.1.
Variant type: single nucleotide variant.
Coding change: c.1454C>T on transcript NM_021975.4 (MANE Select); coding-DNA position 1454, C replaced by T.
Protein change: p.Ala485Val; replaces alanine 485 with valine.
Molecular consequence: missense variant. On other transcripts: intron variant (1).
Genome position (GRCh38, 1-based): chr11:65,654,580, G>A on the plus strand (C>T on the coding strand, the complement: RELA is on the minus strand). VCF-style: chr11-65654580-G-A. GRCh37 (hg19) VCF-style: chr11-65422051-G-A.
Other names: c.1445C>T, p.Ala482Val (NM_001145138.2); c.1247C>T, p.Ala416Val (NM_001243984.2); c.1487C>T, p.Ala496Val (NM_001404657.1); c.1427C>T, p.Ala476Val (NM_001404658.1); c.1241C>T, p.Ala414Val (NM_001404659.1); c.1136C>T, p.Ala379Val (NM_001404660.1); c.1073C>T, p.Ala358Val (NM_001404661.1); c.1361C>T, p.Ala454Val (NM_001404662.1, NM_001404663.1); and 1 more; short protein forms A358V, A379V, A416V, A454V, A482V, A485V, A414V, A476V.
Identifiers: ClinVar variation 1917705 (VCV001917705.5), dbSNP rs374751242, ClinGen allele CA6106595.
Genomic context (GRCh38, chr11:65,654,580, plus strand): 5'-GTCACTAGGCGAGTTATAGCCTCAGGGTACTCCATCAGCATGGGCTCAGTTGTGTGGGGG[G>A]CCACAGGTATGCCCTGGTTCAGCAGCTGCTGAAACTCGGAGTTGTCGACGGATGCCAGGT-3'
Protein context (NP_068810.3, residues 475-495): QQLLNQGIPV[Ala485Val]PHTTEPMLME